The following is an entry in ClinVar:

ClinVar aggregate classification (germline): Pathogenic (1 of 4 stars; one submission).

Conditions:
TH-deficient dopa-responsive dystonia. Also called: Segawa syndrome, autosomal recessive; Tyrosine Hydroxylase-Deficient Dopa-Responsive Dystonia; DYT-TH. Identifiers: Orphanet 101150, MedGen C2673535, MONDO:0011551, OMIM 605407.

Submission:

Myriad Genetics, Inc.
Classification: Pathogenic for TH-deficient dopa-responsive dystonia. Last evaluated: 2023-09-27. Review status: criteria provided, single submitter. Criteria: Myriad Autosomal Dominant, Autosomal Recessive and X-Linked Classification Criteria (2023). Collection method: clinical testing. Allele origin: unknown.
Comment: NM_199292.2(TH):c.361dupG(A121Gfs*15) is expected to be pathogenic in the context of tyrosine hydroxylase deficiency. This variant is predicted to lead to an abnormal or absent protein product due to the creation of a premature termination codon in TH, a gene where loss-of-function variants are known to be pathogenic. Please note: this variant was assessed in the context of healthy population screening.

NM_000360.4(TH):c.268dup (p.Ala90fs)

Gene: TH (tyrosine hydroxylase; minus strand). Cytogenetic location: 11p15.5.
Variant type: Duplication.
Coding change: c.268dup on transcript NM_000360.4 (MANE Select); coding-DNA position 268, one base duplicated (G; older notation c.268dupG).
Protein change: p.Ala90fs; shifts the reading frame from alanine 90.
Molecular consequence: frameshift variant.
Genome position (GRCh38, 1-based): chr11:2,169,694, C duplicated on the plus strand (G on the coding strand, the reverse complement: TH is on the minus strand); the first of 3 consecutive C bases (chr11:2,169,694-2,169,696); duplicating any one gives the same sequence. VCF-style (leftmost placement, unchanged base first): chr11-2169693-G-GC. GRCh37 (hg19) VCF-style: chr11-2190923-G-GC.
Other names: c.280dup, p.Ala94fs (NM_001440535.1, NM_001440536.1); c.268dup, p.Ala90fs (NM_001440537.1); c.361dup, p.Ala121fs (NM_199292.3); c.349dup, p.Ala117fs (NM_199293.3); short protein forms A117fs, A121fs, A90fs, A94fs.
Identifiers: ClinVar variation 5012107 (VCV005012107.1).